The following is an entry in ClinVar:

NM_006618.5(KDM5B):c.1404G>A (p.Glu468=)

Gene: KDM5B (lysine demethylase 5B; minus strand). Cytogenetic location: 1q32.1.
Variant type: single nucleotide variant.
Coding change: c.1404G>A on transcript NM_006618.5 (MANE Select); coding-DNA position 1404, G replaced by A.
Protein change: p.Glu468=; no amino-acid change (glutamic acid 468 retained).
Molecular consequence: synonymous variant.
Genome position (GRCh38, 1-based): chr1:202,755,405, C>T on the plus strand (G>A on the coding strand, the complement: KDM5B is on the minus strand). VCF-style: chr1-202755405-C-T. GRCh37 (hg19) VCF-style: chr1-202724533-C-T.
Other names: c.1512G>A, p.Glu504= (NM_001314042.2); c.1269G>A, p.Glu423= (NM_001347591.2); c.1389G>A, p.Glu463= (NM_001399817.1).
Identifiers: ClinVar variation 2639802 (VCV002639802.24), dbSNP rs185527629, ClinGen allele CA1334711.

ClinVar aggregate classification (germline): Likely benign (1 of 4 stars; one submission).

Allele frequency attached by ClinVar (database versions not stated): gnomAD exomes 0.00002; ExAC 0.00008; ESP Exome Variant Server 0.00008; TOPMed 0.00022; gnomAD 0.00023; 1000 Genomes Project 0.00040; 1000 Genomes Project 30x 0.00047.
gnomAD v4.1: 67 of 1,613,872 alleles (0.0042%); highest among the groups gnomAD compares: African/African-American, 0.081%; no homozygotes.

Submission:

CeGaT Center for Human Genetics Tuebingen
Classification: Likely benign. Last evaluated: 2022-09-01. Review status: criteria provided, single submitter. Criteria: CeGaT Center For Human Genetics Tuebingen Variant Classification Criteria Version 2. Collection method: clinical testing. Allele origin: germline. Affected: yes. Observed: 1 variant allele.
Comment: KDM5B: BP4, BP7